The following is an entry in ClinVar:

ClinVar aggregate classification (germline): Uncertain significance (1 of 4 stars; one submission).

Conditions:
Familial cancer of breast. Also called: Hereditary breast cancer; BREAST CANCER, FAMILIAL; hereditary breast carcinoma. Identifiers: Orphanet 227535, MedGen C0346153, MONDO:0016419, OMIM 114480. Disease mechanism: loss of function.

Submission:

Labcorp Genetics (formerly Invitae), Labcorp
Classification: Uncertain significance for Familial cancer of breast. Last evaluated: 2022-12-22. Review status: criteria provided, single submitter. Criteria: Invitae Variant Classification Sherloc (09022015). Collection method: clinical testing. Allele origin: germline.
Comment: In summary, the available evidence is currently insufficient to determine the role of this variant in disease. Therefore, it has been classified as a Variant of Uncertain Significance. Advanced modeling of protein sequence and biophysical properties (such as structural, functional, and spatial information, amino acid conservation, physicochemical variation, residue mobility, and thermodynamic stability) performed at Invitae indicates that this missense variant is not expected to disrupt PALB2 protein function. This variant has not been reported in the literature in individuals affected with PALB2-related conditions. This variant is not present in population databases (gnomAD no frequency). This sequence change replaces threonine, which is neutral and polar, with alanine, which is neutral and non-polar, at codon 458 of the PALB2 protein (p.Thr458Ala).

NM_024675.4(PALB2):c.1372A>G (p.Thr458Ala)

Gene: PALB2 (partner and localizer of BRCA2; minus strand). Cytogenetic location: 16p12.2.
Variant type: single nucleotide variant.
Coding change: c.1372A>G on transcript NM_024675.4 (MANE Select); coding-DNA position 1372, A replaced by G.
Protein change: p.Thr458Ala; replaces threonine 458 with alanine.
Molecular consequence: missense variant. On other transcripts: intron variant (3).
Genome position (GRCh38, 1-based): chr16:23,635,174, T>C on the plus strand (A>G on the coding strand, the complement: PALB2 is on the minus strand). VCF-style: chr16-23635174-T-C. GRCh37 (hg19) VCF-style: chr16-23646495-T-C.
Other names: c.1312A>G, p.Thr438Ala (NM_001407296.1); c.1372A>G, p.Thr458Ala (NM_001407297.1, NM_001407298.1, NM_001407299.1 and 3 more transcripts); c.487A>G, p.Thr163Ala (NM_001407304.1, NM_001407305.1, NM_001407306.1 and 5 more transcripts); c.49-5899A>G (NM_001407314.1); c.-104-4705A>G (NM_001407313.1, NM_001407312.1); short protein forms T438A, T458A, T163A.
Identifiers: ClinVar variation 2823374 (VCV002823374.3), dbSNP rs2142418039, ClinGen allele CA395131435.